The following is an entry in ClinVar:

NM_020884.7(MYH7B):c.3148A>C (p.Lys1050Gln)

Gene: MYH7B (myosin heavy chain 7B; plus strand). Cytogenetic location: 20q11.22.
Variant type: single nucleotide variant.
Coding change: c.3148A>C on transcript NM_020884.7 (MANE Select); coding-DNA position 3148, A replaced by C.
Protein change: p.Lys1050Gln; replaces lysine 1050 with glutamine.
Molecular consequence: missense variant.
Genome position (GRCh38, 1-based): chr20:34,996,640, A>C. VCF-style: chr20-34996640-A-C. GRCh37 (hg19) VCF-style: chr20-33584443-A-C.
Other names: short protein forms K1050Q.
Identifiers: ClinVar variation 1480120 (VCV001480120.5), dbSNP rs775194280, ClinGen allele CA9827649.

ClinVar aggregate classification (germline): Uncertain significance (1 of 4 stars; one submission).

Allele frequency attached by ClinVar (database versions not stated): gnomAD 0.00008 and 0.00012; TOPMed 0.00008; gnomAD exomes 0.00011 and 0.00015; ExAC 0.00018; 1000 Genomes Project 30x 0.00031.

Submission:

Labcorp Genetics (formerly Invitae), Labcorp
Classification: Uncertain significance. Last evaluated: 2021-08-13. Review status: criteria provided, single submitter. Criteria: Invitae Variant Classification Sherloc (09022015). Collection method: clinical testing. Allele origin: germline.
Comment: This sequence change replaces lysine with glutamine at codon 1092 of the MYH7B protein (p.Lys1092Gln). The lysine residue is highly conserved and there is a small physicochemical difference between lysine and glutamine. This variant is present in population databases (rs775194280, ExAC 0.08%). This variant has not been reported in the literature in individuals affected with MYH7B-related conditions. Algorithms developed to predict the effect of missense changes on protein structure and function (SIFT, PolyPhen-2, Align-GVGD) all suggest that this variant is likely to be disruptive. In summary, the available evidence is currently insufficient to determine the role of this variant in disease. Therefore, it has been classified as a Variant of Uncertain Significance.